The following is an entry in ClinVar:

ClinVar aggregate classification (germline): Likely benign (1 of 4 stars; one submission).

Allele frequency attached by ClinVar (database versions not stated): 1000 Genomes Project 30x 0.00250.
gnomAD v4.1: 12,337 of 1,551,266 alleles (0.8%); highest among the groups gnomAD compares: Non-Finnish European, 1%; 73 homozygotes.

Submission:

CeGaT Center for Human Genetics Tuebingen
Classification: Likely benign. Last evaluated: 2022-12-01. Review status: criteria provided, single submitter. Criteria: CeGaT Center For Human Genetics Tuebingen Variant Classification Criteria Version 2. Collection method: clinical testing. Allele origin: germline. Affected: yes. Observed: 1 variant allele.
Comment: KIAA1671: BP4, BP7, BS2

NM_001145206.2(KIAA1671):c.1464C>T (p.Ala488=)

Gene: KIAA1671 (KIAA1671; plus strand). Cytogenetic location: 22q11.23.
Variant type: single nucleotide variant.
Coding change: c.1464C>T on transcript NM_001145206.2 (MANE Select); coding-DNA position 1464, C replaced by T.
Protein change: p.Ala488=; no amino-acid change (alanine 488 retained).
Molecular consequence: synonymous variant.
Genome position (GRCh38, 1-based): chr22:25,029,463, C>T. VCF-style: chr22-25029463-C-T. GRCh37 (hg19) VCF-style: chr22-25425430-C-T.
Other names: c.1464C>T, p.Ala488= (NM_001386930.1, NM_001386932.1, NM_001386933.1).
Identifiers: ClinVar variation 2653003 (VCV002653003.24), dbSNP rs200771652, ClinGen allele CA322267347.